The following is an entry in ClinVar:

ClinVar aggregate classification (germline): Uncertain significance (1 of 4 stars; one submission).

Allele frequency attached by ClinVar (database versions not stated): gnomAD 0.00001; gnomAD exomes 0.00001; TOPMed 0.00001.
gnomAD v4.1: 13 of 1,607,088 alleles (0.00081%); highest among the groups gnomAD compares: Non-Finnish European, 0.0011%; no homozygotes.

Submission:

CeGaT Center for Human Genetics Tuebingen
Classification: Uncertain significance. Last evaluated: 2024-05-01. Review status: criteria provided, single submitter. Criteria: CeGaT Center For Human Genetics Tuebingen Variant Classification Criteria Version 2. Collection method: clinical testing. Allele origin: germline. Affected: yes. Observed: 1 variant allele.
Comment: KMT2C: PP2

NM_170606.3(KMT2C):c.3193G>C (p.Ala1065Pro)

Gene: KMT2C (lysine methyltransferase 2C; minus strand). Cytogenetic location: 7q36.1.
Variant type: single nucleotide variant.
Coding change: c.3193G>C on transcript NM_170606.3 (MANE Select); coding-DNA position 3193, G replaced by C.
Protein change: p.Ala1065Pro; replaces alanine 1065 with proline.
Molecular consequence: missense variant.
Genome position (GRCh38, 1-based): chr7:152,224,145, C>G on the plus strand (G>C on the coding strand, the complement: KMT2C is on the minus strand). VCF-style: chr7-152224145-C-G. GRCh37 (hg19) VCF-style: chr7-151921230-C-G.
Other names: short protein forms A1065P.
Identifiers: ClinVar variation 3239451 (VCV003239451.19), dbSNP rs1448464967.